The following is an entry in ClinVar:

ClinVar aggregate classification (germline): Uncertain significance (1 of 4 stars; one submission).

Conditions:
Proline dehydrogenase deficiency (HYRPRO1). Also called: Hyperprolinemia type 1; PROLINE OXIDASE DEFICIENCY. Identifiers: Orphanet 419, MedGen C0268529, MONDO:0009400, OMIM 239500.

Submission:

Labcorp Genetics (formerly Invitae), Labcorp
Classification: Uncertain significance for Proline dehydrogenase deficiency. Last evaluated: 2025-01-13. Review status: criteria provided, single submitter. Criteria: Invitae Variant Classification Sherloc (09022015). Collection method: clinical testing. Allele origin: germline.
Comment: This sequence change replaces asparagine, which is neutral and polar, with aspartic acid, which is acidic and polar, at codon 204 of the PRODH protein (p.Asn204Asp). This variant is not present in population databases (gnomAD no frequency). This variant has not been reported in the literature in individuals affected with PRODH-related conditions. ClinVar contains an entry for this variant (Variation ID: 2070093). Invitae Evidence Modeling of protein sequence and biophysical properties (such as structural, functional, and spatial information, amino acid conservation, physicochemical variation, residue mobility, and thermodynamic stability) indicates that this missense variant is not expected to disrupt PRODH protein function with a negative predictive value of 80%. In summary, the available evidence is currently insufficient to determine the role of this variant in disease. Therefore, it has been classified as a Variant of Uncertain Significance.

NM_016335.6(PRODH):c.610A>G (p.Asn204Asp)

Gene: PRODH (proline dehydrogenase 1; minus strand). Cytogenetic location: 22q11.21.
Variant type: single nucleotide variant.
Coding change: c.610A>G on transcript NM_016335.6 (MANE Select); coding-DNA position 610, A replaced by G.
Protein change: p.Asn204Asp; replaces asparagine 204 with aspartic acid.
Molecular consequence: missense variant.
Genome position (GRCh38, 1-based): chr22:18,925,108, T>C on the plus strand (A>G on the coding strand, the complement: PRODH is on the minus strand). VCF-style: chr22-18925108-T-C. GRCh37 (hg19) VCF-style: chr22-18912621-T-C.
Other names: c.286A>G, p.Asn96Asp (NM_001195226.2, NM_001368250.2); short protein forms N204D, N96D.
Identifiers: ClinVar variation 2070093 (VCV002070093.4), dbSNP rs2517455746, ClinGen allele CA410649148.